The following is an entry in ClinVar:

ClinVar aggregate classification (germline): Uncertain significance (1 of 4 stars; one submission).

Conditions:
Joubert syndrome 6 (JBTS6). Identifiers: Orphanet 475, MedGen C1853153, MONDO:0012539, OMIM 610688.

gnomAD v4.1: 4 of 1,533,624 alleles (0.00026%); highest among the groups gnomAD compares: South Asian, 0.0045%; no homozygotes.

Submission:

Institute of Human Genetics, University of Leipzig Medical Center
Classification: Uncertain significance for Joubert syndrome 6. Last evaluated: 2026-08-05. Review status: criteria provided, single submitter. Criteria: ACMG Guidelines, 2015. Collection method: clinical testing. Allele origin: unknown. Inheritance: Autosomal recessive inheritance. Affected: yes.
Comment: Criteria applied: PM2,PP3,PP4; Identified as compund heterozygous with NM_153704.6:c.622A>T

NM_153704.6(TMEM67):c.2318G>A (p.Ser773Asn)

Gene: TMEM67 (transmembrane protein 67; plus strand). Cytogenetic location: 8q22.1.
Variant type: single nucleotide variant.
Coding change: c.2318G>A on transcript NM_153704.6 (MANE Select); coding-DNA position 2318, G replaced by A.
Protein change: p.Ser773Asn; replaces serine 773 with asparagine.
Molecular consequence: missense variant. On other transcripts: non-coding transcript variant (1).
Genome position (GRCh38, 1-based): chr8:93,803,680, G>A. VCF-style: chr8-93803680-G-A. GRCh37 (hg19) VCF-style: chr8-94815908-G-A.
Other names: c.2075G>A, p.Ser692Asn (NM_001142301.1); short protein forms S692N, S773N.
Identifiers: ClinVar variation 4890756 (VCV004890756.1).